The following is an entry in ClinVar:

NM_002528.7(NTHL1):c.42C>G (p.Ser14Arg)

Gene: NTHL1 (nth like DNA glycosylase 1; minus strand). Cytogenetic location: 16p13.3.
Variant type: single nucleotide variant.
Coding change: c.42C>G on transcript NM_002528.7 (MANE Select); coding-DNA position 42, C replaced by G.
Protein change: p.Ser14Arg; replaces serine 14 with arginine.
Molecular consequence: missense variant. On other transcripts: 5 prime UTR variant (1).
Genome position (GRCh38, 1-based): chr16:2,047,782, G>C on the plus strand (C>G on the coding strand, the complement: NTHL1 is on the minus strand). VCF-style: chr16-2047782-G-C. GRCh37 (hg19) VCF-style: chr16-2097783-G-C.
Other names: c.42C>G, p.Ser14Arg (NM_001318193.2); c.-137C>G (NM_001318194.2); short protein forms S14R.
Identifiers: ClinVar variation 850399 (VCV000850399.9), dbSNP rs898348644, ClinGen allele CA394298534.
Genomic context (GRCh38, chr16:2,047,782, plus strand): 5'-TCTTCTCCGGAGAGGCCCGGGCTCCTCCCTACACCCCCGCGGCCCAGCCCCGGGTCCCAG[G>C]CTCCGGCTCCGGGTCAGCATCCTCGCGCTCAAGGCGGTCATGCCGGACTCCTGCGGACTA-3'
Protein context (NP_002519.2, residues 4-24): LSARMLTRSR[Ser14Arg]LGPGAGPRGC

ClinVar aggregate classification (germline): Uncertain significance (1 of 4 stars; one submission).

gnomAD v4.1: 1 of 1,588,784 alleles (0.000063%); highest among the groups gnomAD compares: Non-Finnish European, 0.000085%; no homozygotes.

Submission:

Labcorp Genetics (formerly Invitae), Labcorp
Classification: Uncertain significance. Last evaluated: 2022-10-07. Review status: criteria provided, single submitter. Criteria: Invitae Variant Classification Sherloc (09022015). Collection method: clinical testing. Allele origin: germline.
Comment: This variant has not been reported in the literature in individuals affected with NTHL1-related conditions. This sequence change replaces serine, which is neutral and polar, with arginine, which is basic and polar, at codon 22 of the NTHL1 protein (p.Ser22Arg). This variant is not present in population databases (gnomAD no frequency). ClinVar contains an entry for this variant (Variation ID: 850399). Algorithms developed to predict the effect of missense changes on protein structure and function are either unavailable or do not agree on the potential impact of this missense change (SIFT: "Not Available"; PolyPhen-2: "Probably Damaging"; Align-GVGD: "Not Available"). In summary, the available evidence is currently insufficient to determine the role of this variant in disease. Therefore, it has been classified as a Variant of Uncertain Significance.